The following is an entry in ClinVar:

ClinVar aggregate classification (germline): Uncertain significance (1 of 4 stars; one submission).

gnomAD v4.1: 3 of 1,614,182 alleles (0.00019%); highest among the groups gnomAD compares: Non-Finnish European, 0.00025%; no homozygotes.

Submission:

Ambry Genetics
Classification: Uncertain significance. Last evaluated: 2024-09-01. Review status: criteria provided, single submitter. Criteria: Ambry Variant Classification Scheme 2023. Collection method: clinical testing. Allele origin: germline.
Comment: The p.I850M variant (also known as c.2550A>G), located in coding exon 13 of the NPAT gene, results from an A to G substitution at nucleotide position 2550. The isoleucine at codon 850 is replaced by methionine, an amino acid with highly similar properties. This amino acid position is conserved. In addition, this alteration is predicted to be tolerated by in silico analysis. Based on the available evidence, the clinical significance of this variant remains unclear.

NM_002519.3(NPAT):c.2550A>G (p.Ile850Met)

Gene: NPAT (nuclear protein, coactivator of histone transcription; minus strand). Cytogenetic location: 11q22.3.
Variant type: single nucleotide variant.
Coding change: c.2550A>G on transcript NM_002519.3 (MANE Select); coding-DNA position 2550, A replaced by G.
Protein change: p.Ile850Met; replaces isoleucine 850 with methionine.
Molecular consequence: missense variant.
Genome position (GRCh38, 1-based): chr11:108,172,434, T>C on the plus strand (A>G on the coding strand, the complement: NPAT is on the minus strand). VCF-style: chr11-108172434-T-C. GRCh37 (hg19) VCF-style: chr11-108043161-T-C.
Other names: c.2550A>G, p.Ile850Met (NM_001321307.1); short protein forms I850M.
Identifiers: ClinVar variation 3407204 (VCV003407204.1).